The following is an entry in ClinVar:

ClinVar aggregate classification (germline): Likely pathogenic. Review status: criteria provided, multiple submitters, no conflicts (2 of 4 stars). 2 submissions from 2 submitters: Likely pathogenic (2). Last evaluated 2026-09-01.

Conditions:
Dilated cardiomyopathy 1G (CMD1G). Identifiers: Orphanet 154, MedGen C1858763, MONDO:0011400, OMIM 604145.

Submissions (2):

CeGaT Center for Human Genetics Tuebingen
Classification: Likely pathogenic. Last evaluated: 2026-09-01. Review status: criteria provided, single submitter. Criteria: CeGaT Center For Human Genetics Tuebingen Variant Classification Criteria Version 2. Collection method: clinical testing. Allele origin: germline. Affected: yes. Observed: 1 variant allele.
Comment: TTN: PVS1:Strong, PM2

MVZ Medizinische Genetik Mainz
Classification: Likely pathogenic for Dilated cardiomyopathy 1G. Last evaluated: 2023-06-15. Review status: criteria provided, single submitter. Criteria: UK Practice Guidelines For Variant Classification V4 01 2020. Collection method: clinical testing. Allele origin: germline. Inheritance: Autosomal dominant inheritance. Affected: yes. Observed: 1 variant allele.
Comment: ACMG Criteria: PVS1,PM2_SUP

NM_001267550.2(TTN):c.49455C>G (p.Tyr16485Ter)

Genes: TTN (titin; minus strand), TTN-AS1 (TTN antisense RNA 1; plus strand). Cytogenetic location: 2q31.2.
Variant type: single nucleotide variant.
Coding change: c.49455C>G on transcript NM_001267550.2 (MANE Select); coding-DNA position 49455, C replaced by G.
Protein change: p.Tyr16485Ter; replaces tyrosine 16485 with a stop codon.
Molecular consequence: nonsense.
Genome position (GRCh38, 1-based): chr2:178,613,828, G>C on the plus strand (C>G on the coding strand, the complement: TTN is on the minus strand). VCF-style: chr2-178613828-G-C. GRCh37 (hg19) VCF-style: chr2-179478555-G-C.
Other names: c.44532C>G, p.Tyr14844Ter (NM_001256850.1); c.22260C>G, p.Tyr7420Ter (NM_003319.4); c.41751C>G, p.Tyr13917Ter (NM_133378.4); c.22635C>G, p.Tyr7545Ter (NM_133432.3); c.22836C>G, p.Tyr7612Ter (NM_133437.4); short protein forms Y13917*, Y14844*, Y16485*, Y7420*, Y7545*, Y7612*.
Identifiers: ClinVar variation 3236811 (VCV003236811.2), dbSNP rs2470624288.
Genomic context (GRCh38, chr2:178,613,828, plus strand): 5'-TACTGGCATCTTATTGCATCTAACCCATTTATCTGTATCAGGATCCAGTCTTTCAACCCA[G>C]TATCCTGTGATTGGGCTGCCACCATCATCATCTGGCTCACACCATGTGAGAGTCACTGCG-3'